The following is an entry in ClinVar:

ClinVar aggregate classification (germline): Likely benign. Review status: criteria provided, multiple submitters, no conflicts (2 of 4 stars). 3 submissions from 3 submitters: Likely benign (2). 1 of the submissions does not count toward it. Last evaluated 2026-03-01.

Conditions:
SCN11A-related disorder. Also called: SCN11A-related condition.
Hereditary sensory and autonomic neuropathy type 7. Also called: Neuropathy, hereditary sensory and autonomic, type VII; HSAN VII. Identifiers: Orphanet 391397, MedGen C3809882, MONDO:0014244, OMIM 615548.
Familial episodic pain syndrome with predominantly lower limb involvement. Also called: Episodic pain syndrome, familial, 3. Identifiers: Orphanet 391384, Orphanet 391392, MedGen C3809899, MONDO:0014247, OMIM 615552.

Allele frequency attached by ClinVar (database versions not stated): ExAC 0.00002; gnomAD exomes 0.00003; ESP Exome Variant Server 0.00008.

Submissions (3):

CeGaT Center for Human Genetics Tuebingen
Classification: Likely benign. Last evaluated: 2026-03-01. Review status: criteria provided, single submitter. Criteria: CeGaT Center For Human Genetics Tuebingen Variant Classification Criteria Version 2. Collection method: clinical testing. Allele origin: germline. Affected: yes. Observed: 1 variant allele.
Comment: SCN11A: BP4, BP7

Labcorp Genetics (formerly Invitae), Labcorp
Classification: Likely benign for Familial episodic pain syndrome with predominantly lower limb involvement; Hereditary sensory and autonomic neuropathy type 7. Last evaluated: 2025-11-05. Review status: criteria provided, single submitter. Criteria: Invitae Variant Classification Sherloc (09022015). Collection method: clinical testing. Allele origin: germline.

PreventionGenetics, part of Exact Sciences
Classification: Likely benign for SCN11A-related condition. Last evaluated: 2019-07-18. Review status: no assertion criteria provided. Collection method: clinical testing. Allele origin: germline. Not counted in ClinVar's aggregate classification.
Comment: This variant is classified as likely benign based on ACMG/AMP sequence variant interpretation guidelines (Richards et al. 2015 PMID: 25741868, with internal and published modifications).

NM_001349253.2(SCN11A):c.378A>C (p.Ser126=)

Gene: SCN11A (sodium voltage-gated channel alpha subunit 11; minus strand). Cytogenetic location: 3p22.2.
Variant type: single nucleotide variant.
Coding change: c.378A>C on transcript NM_001349253.2 (MANE Select); coding-DNA position 378, A replaced by C.
Protein change: p.Ser126=; no amino-acid change (serine 126 retained).
Molecular consequence: synonymous variant.
Genome position (GRCh38, 1-based): chr3:38,946,797, T>G on the plus strand (A>C on the coding strand, the complement: SCN11A is on the minus strand). VCF-style: chr3-38946797-T-G. GRCh37 (hg19) VCF-style: chr3-38988288-T-G.
Other names: c.378A>C, p.Ser126= (NM_014139.3); c.378A>C (NM_014139.2).
Identifiers: ClinVar variation 1133069 (VCV001133069.13), dbSNP rs149009353, ClinGen allele CA2322646.
Genomic context (GRCh38, chr3:38,946,797, plus strand): 5'-CGTGCACTTTTCAAATGATCTGGACTTAGTAAAAGGTGCAATGAAAGGATATGAATGGAC[T>G]GAGACTCTAATGGCTAAACTTCTGATTGAATTGAAAGGCCCAAAAATGAACAAGGCATGC-3'
Protein context (NP_001336182.1, residues 116-136): NSIRSLAIRV[Ser126=]VHSLFSMFII